The following is an entry in ClinVar:

ClinVar aggregate classification (germline): Uncertain significance (1 of 4 stars; one submission).

gnomAD v4.1: 28 of 1,611,976 alleles (0.0017%); highest among the groups gnomAD compares: African/African-American, 0.004%; no homozygotes.

Submission:

Ambry Genetics
Classification: Uncertain significance. Last evaluated: 2026-02-17. Review status: criteria provided, single submitter. Criteria: Ambry Variant Classification Scheme 2023. Collection method: clinical testing. Allele origin: germline.
Comment: The c.1298C>T (p.T433M) alteration is located in exon 2 (coding exon 2) of the MAML1 gene. This alteration results from a C to T substitution at nucleotide position 1298, causing the threonine (T) at amino acid position 433 to be replaced by a methionine (M). Based on data from gnomAD, the T allele has an overall frequency of <0.001% (1/248700) total alleles studied. The highest observed frequency was 0.006% (1/18342) of East Asian alleles. Based on insufficient or conflicting evidence, the clinical significance of this alteration remains unclear.

NM_014757.5(MAML1):c.1298C>T (p.Thr433Met)

Gene: MAML1 (mastermind like transcriptional coactivator 1; plus strand). Cytogenetic location: 5q35.3.
Variant type: single nucleotide variant.
Coding change: c.1298C>T on transcript NM_014757.5 (MANE Select); coding-DNA position 1298, C replaced by T.
Protein change: p.Thr433Met; replaces threonine 433 with methionine.
Molecular consequence: missense variant.
Genome position (GRCh38, 1-based): chr5:179,766,308, C>T. VCF-style: chr5-179766308-C-T. GRCh37 (hg19) VCF-style: chr5-179193309-C-T.
Other names: short protein forms T433M.
Identifiers: ClinVar variation 4840151 (VCV004840151.1).